The following is an entry in ClinVar:

NM_000535.7(PMS2):c.567T>C (p.His189=)

Gene: PMS2 (PMS1 homolog 2, mismatch repair system component; minus strand). Cytogenetic location: 7p22.1.
Variant type: single nucleotide variant.
Coding change: c.567T>C on transcript NM_000535.7 (MANE Select); coding-DNA position 567, T replaced by C.
Protein change: p.His189=; no amino-acid change (histidine 189 retained).
Molecular consequence: synonymous variant. On other transcripts: non-coding transcript variant (1), intron variant (3).
Genome position (GRCh38, 1-based): chr7:5,999,246, A>G on the plus strand (T>C on the coding strand, the complement: PMS2 is on the minus strand). VCF-style: chr7-5999246-A-G. GRCh37 (hg19) VCF-style: chr7-6038877-A-G.
Other names: c.162T>C, p.His54= (NM_001322003.2, NM_001322004.2, NM_001322005.2 and 2 more transcripts); c.567T>C, p.His189= (NM_001322006.2, NM_001322014.2); c.249T>C, p.His83= (NM_001322007.2, NM_001322008.2); c.258T>C, p.His86= (NM_001322015.2); c.133-1823T>C (NM_001322013.2); c.-347-20T>C (NM_001322012.2, NM_001322011.2).
Identifiers: ClinVar variation 233480 (VCV000233480.15), dbSNP rs876660433, ClinGen allele CA10578704.

ClinVar aggregate classification (germline): Benign/Likely benign. Review status: criteria provided, multiple submitters, no conflicts (2 of 4 stars). 3 submissions from 3 submitters: Benign (1); Likely benign (2). Last evaluated 2025-06-04.

Conditions:
Hereditary cancer-predisposing syndrome. Also called: Neoplastic Syndromes, Hereditary; Tumor predisposition; Hereditary Cancer Syndrome; Hereditary neoplastic syndrome. Identifiers: Orphanet 140162, MedGen C0027672, MeSH D009386, MONDO:0015356.
Lynch syndrome 4 (LYNCH4). Also called: Colorectal cancer, hereditary nonpolyposis, type 4; Hereditary non-polyposis colorectal cancer, type 4. Identifiers: Orphanet 144, MedGen C1838333, MONDO:0013699, OMIM 614337. Disease mechanism: loss of function.
Hereditary nonpolyposis colorectal neoplasms. Identifiers: MedGen C0009405, MeSH D003123.

Submissions (3):

Labcorp Genetics (formerly Invitae), Labcorp
Classification: Likely benign for Hereditary nonpolyposis colorectal neoplasms. Last evaluated: 2025-06-04. Review status: criteria provided, single submitter. Criteria: Invitae Variant Classification Sherloc (09022015). Collection method: clinical testing. Allele origin: germline.

Myriad Genetics, Inc.
Classification: Benign for Lynch syndrome 4. Last evaluated: 2025-01-27. Review status: criteria provided, single submitter. Criteria: Myriad Autosomal Dominant, Autosomal Recessive and X-Linked Classification Criteria (2023). Collection method: clinical testing. Allele origin: unknown.
Comment: This variant is considered benign. This variant is a silent/synonymous amino acid change and it is not expected to impact splicing.

Ambry Genetics
Classification: Likely benign for Hereditary cancer-predisposing syndrome. Last evaluated: 2015-08-19. Review status: criteria provided, single submitter. Criteria: Ambry Variant Classification Scheme 2023. Collection method: clinical testing. Allele origin: germline.